The following is an entry in ClinVar:

ClinVar aggregate classification (germline): Uncertain significance. Review status: criteria provided, multiple submitters, no conflicts (2 of 4 stars). 3 submissions from 3 submitters: Uncertain significance (3). Last evaluated 2023-10-23.

Conditions:
Inborn genetic diseases. Identifiers: MedGen C0950123, MeSH D030342.

Allele frequency attached by ClinVar (database versions not stated): TOPMed below 0.00001; gnomAD 0.00001; gnomAD exomes 0.00001; ExAC 0.00002.
gnomAD v4.1: 14 of 1,614,038 alleles (0.00087%); highest among the groups gnomAD compares: South Asian, 0.014%; no homozygotes.

Submissions (3):

Labcorp Genetics (formerly Invitae), Labcorp
Classification: Uncertain significance. Last evaluated: 2023-10-23. Review status: criteria provided, single submitter. Criteria: Invitae Variant Classification Sherloc (09022015). Collection method: clinical testing. Allele origin: germline.
Comment: This sequence change replaces methionine, which is neutral and non-polar, with isoleucine, which is neutral and non-polar, at codon 271 of the COL4A1 protein (p.Met271Ile). This variant is present in population databases (rs774866712, gnomAD 0.01%). This variant has not been reported in the literature in individuals affected with COL4A1-related conditions. ClinVar contains an entry for this variant (Variation ID: 2485003). Advanced modeling of protein sequence and biophysical properties (such as structural, functional, and spatial information, amino acid conservation, physicochemical variation, residue mobility, and thermodynamic stability) performed at Invitae indicates that this missense variant is not expected to disrupt COL4A1 protein function with a negative predictive value of 95%. In summary, the available evidence is currently insufficient to determine the role of this variant in disease. Therefore, it has been classified as a Variant of Uncertain Significance.

Ambry Genetics
Classification: Uncertain significance for Inborn genetic diseases. Last evaluated: 2023-02-15. Review status: criteria provided, single submitter. Criteria: Ambry Variant Classification Scheme 2023. Collection method: clinical testing. Allele origin: germline.

GeneDx
Classification: Uncertain significance. Last evaluated: 2022-12-13. Review status: criteria provided, single submitter. Criteria: GeneDx Variant Classification Process June 2021. Collection method: clinical testing. Allele origin: germline. Affected: yes.
Comment: Has not been previously published as pathogenic or benign to our knowledge; Occurs in the triple helical domain at the X position in the canonical Gly-X-Y repeat; although this variant may have an effect on normal protein folding and function, missense substitution at the X position is not a common mechanism of disease; In silico analysis supports that this missense variant does not alter protein structure/function

NM_001845.6(COL4A1):c.813G>A (p.Met271Ile)

Gene: COL4A1 (collagen type IV alpha 1 chain; minus strand). Cytogenetic location: 13q34.
Variant type: single nucleotide variant.
Coding change: c.813G>A on transcript NM_001845.6 (MANE Select); coding-DNA position 813, G replaced by A.
Protein change: p.Met271Ile; replaces methionine 271 with isoleucine.
Molecular consequence: missense variant.
Genome position (GRCh38, 1-based): chr13:110,206,710, C>T on the plus strand (G>A on the coding strand, the complement: COL4A1 is on the minus strand). VCF-style: chr13-110206710-C-T. GRCh37 (hg19) VCF-style: chr13-110859057-C-T.
Other names: c.813G>A, p.Met271Ile (NM_001303110.2); short protein forms M271I.
Identifiers: ClinVar variation 2485003 (VCV002485003.6), dbSNP rs774866712, ClinGen allele CA7048301.